The following is an entry in ClinVar:

ClinVar aggregate classification (germline): Likely benign. Review status: criteria provided, multiple submitters, no conflicts (2 of 4 stars). 2 submissions from 2 submitters: Likely benign (2). Last evaluated 2026-05-19.

Conditions:
TTLL5-related disorder. Also called: TTLL5-related condition.

gnomAD v4.1: 19 of 1,612,522 alleles (0.0012%); highest among the groups gnomAD compares: East Asian, 0.04%; no homozygotes.

Submissions (2):

PreventionGenetics, part of Exact Sciences
Classification: Likely benign for TTLL5-related condition. Last evaluated: 2026-05-19. Review status: criteria provided, single submitter. Criteria: ACMG Guidelines, 2015. Collection method: clinical testing. Allele origin: germline.
Comment: This variant is classified as likely benign based on ACMG/AMP sequence variant interpretation guidelines (Richards et al. 2015 PMID: 25741868, with internal and published modifications).

Blueprint Genetics
Classification: Likely benign. Last evaluated: 2022-04-21. Review status: criteria provided, single submitter. Criteria: ACMG Guidelines, 2015. Collection method: clinical testing. Allele origin: germline.

NM_015072.5(TTLL5):c.182-3T>C

Gene: TTLL5 (tubulin tyrosine ligase like 5; plus strand). Cytogenetic location: 14q24.3.
Variant type: single nucleotide variant.
Coding change: c.182-3T>C on transcript NM_015072.5 (MANE Select); 3 bases into the intron before coding-DNA position 182, T replaced by C.
Molecular consequence: intron variant.
Genome position (GRCh38, 1-based): chr14:75,681,542, T>C. VCF-style: chr14-75681542-T-C. GRCh37 (hg19) VCF-style: chr14-76147885-T-C.
Other names: c.182-3T>C (NM_015072.4).
Identifiers: ClinVar variation 4922396 (VCV004922396.2).